The following is an entry in ClinVar:

NM_153240.5(NPHP3):c.2122A>G (p.Thr708Ala)

Genes: NPHP3 (nephrocystin 3; minus strand), NPHP3-ACAD11 (NPHP3-ACAD11 readthrough (NMD candidate); minus strand). Cytogenetic location: 3q22.1.
Variant type: single nucleotide variant.
Coding change: c.2122A>G on transcript NM_153240.5 (MANE Select); coding-DNA position 2122, A replaced by G.
Protein change: p.Thr708Ala; replaces threonine 708 with alanine.
Molecular consequence: missense variant. On other transcripts: non-coding transcript variant (1).
Genome position (GRCh38, 1-based): chr3:132,696,780, T>C on the plus strand (A>G on the coding strand, the complement: NPHP3 is on the minus strand). VCF-style: chr3-132696780-T-C. GRCh37 (hg19) VCF-style: chr3-132415624-T-C.
Other names: c.2122A>G (NM_153240.4); short protein forms T708A.
Identifiers: ClinVar variation 1983528 (VCV001983528.6), dbSNP rs760443078, ClinGen allele CA2622108.

ClinVar aggregate classification (germline): Uncertain significance. Review status: criteria provided, multiple submitters, no conflicts (2 of 4 stars). 2 submissions from 2 submitters: Uncertain significance (2). Last evaluated 2025-08-04.

Conditions:
Nephronophthisis. Also called: Juvenile Nephronophthisis. Identifiers: Orphanet 655, MedGen C0687120, MONDO:0019005, HP:0000090.
Inborn genetic diseases. Identifiers: MedGen C0950123, MeSH D030342.

Allele frequency attached by ClinVar (database versions not stated): TOPMed below 0.00001; gnomAD exomes 0.00001; ExAC 0.00002; gnomAD 0.00003.
gnomAD v4.1: 13 of 1,614,152 alleles (0.00081%); highest among the groups gnomAD compares: East Asian, 0.0022%; 1 homozygote.

Submissions (2):

Labcorp Genetics (formerly Invitae), Labcorp
Classification: Uncertain significance for Nephronophthisis. Last evaluated: 2025-08-04. Review status: criteria provided, single submitter. Criteria: Invitae Variant Classification Sherloc (09022015). Collection method: clinical testing. Allele origin: germline.
Comment: This sequence change replaces threonine, which is neutral and polar, with alanine, which is neutral and non-polar, at codon 708 of the NPHP3 protein (p.Thr708Ala). This variant is present in population databases (rs760443078, gnomAD 0.006%), including at least one homozygous and/or hemizygous individual. This variant has not been reported in the literature in individuals affected with NPHP3-related conditions. ClinVar contains an entry for this variant (Variation ID: 1983528). Invitae Evidence Modeling of protein sequence and biophysical properties (such as structural, functional, and spatial information, amino acid conservation, physicochemical variation, residue mobility, and thermodynamic stability) indicates that this missense variant is not expected to disrupt NPHP3 protein function with a negative predictive value of 80%. In summary, the available evidence is currently insufficient to determine the role of this variant in disease. Therefore, it has been classified as a Variant of Uncertain Significance.

Ambry Genetics
Classification: Uncertain significance for Inborn genetic diseases. Last evaluated: 2023-08-14. Review status: criteria provided, single submitter. Criteria: Ambry Variant Classification Scheme 2023. Collection method: clinical testing. Allele origin: germline.